The following is an entry in ClinVar:

NM_006662.3(SRCAP):c.7727C>T (p.Ser2576Leu)

Gene: SRCAP (Snf2 related CREBBP activator protein; plus strand). Cytogenetic location: 16p11.2.
Variant type: single nucleotide variant.
Coding change: c.7727C>T on transcript NM_006662.3 (MANE Select); coding-DNA position 7727, C replaced by T.
Protein change: p.Ser2576Leu; replaces serine 2576 with leucine.
Molecular consequence: missense variant.
Genome position (GRCh38, 1-based): chr16:30,737,767, C>T. VCF-style: chr16-30737767-C-T. GRCh37 (hg19) VCF-style: chr16-30749088-C-T.
Other names: short protein forms S2576L.
Identifiers: ClinVar variation 4743497 (VCV004743497.1).
Genomic context (GRCh38, chr16:30,737,767, plus strand): 5'-AGGCATTGGCATCTCCAGAGTCCCTGGAGCTGGCTTCTGTGGCCAGTTCAGAAACCTCCT[C>T]ACTTTCTCTTGTGCCCCCTAAAGATCTGTTGCCAGTTGCTGTGGAGATCCTGCCTGTGTC-3'
Protein context (NP_006653.2, residues 2566-2586): LASVASSETS[Ser2576Leu]LSLVPPKDLL

ClinVar aggregate classification (germline): Uncertain significance (1 of 4 stars; one submission).

gnomAD v4.1: 1 of 1,614,226 alleles (0.000062%); no homozygotes.

Submission:

Labcorp Genetics (formerly Invitae), Labcorp
Classification: Uncertain significance. Last evaluated: 2025-12-15. Review status: criteria provided, single submitter. Criteria: Invitae Variant Classification Sherloc (09022015). Collection method: clinical testing. Allele origin: germline.
Comment: This sequence change replaces serine, which is neutral and polar, with leucine, which is neutral and non-polar, at codon 2576 of the SRCAP protein (p.Ser2576Leu). This variant is not present in population databases (gnomAD no frequency). This variant has not been reported in the literature in individuals affected with SRCAP-related conditions. Invitae Evidence Modeling of protein sequence and biophysical properties (such as structural, functional, and spatial information, amino acid conservation, physicochemical variation, residue mobility, and thermodynamic stability) indicates that this missense variant is not expected to disrupt SRCAP protein function with a negative predictive value of 80%. In summary, the available evidence is currently insufficient to determine the role of this variant in disease. Therefore, it has been classified as a Variant of Uncertain Significance.